The following is an entry in ClinVar:

NM_014491.4(FOXP2):c.1526A>G (p.Tyr509Cys)

Gene: FOXP2 (forkhead box P2; plus strand). Cytogenetic location: 7q31.1.
Variant type: single nucleotide variant.
Coding change: c.1526A>G on transcript NM_014491.4 (MANE Select); coding-DNA position 1526, A replaced by G.
Protein change: p.Tyr509Cys; replaces tyrosine 509 with cysteine.
Molecular consequence: missense variant. On other transcripts: non-coding transcript variant (2).
Genome position (GRCh38, 1-based): chr7:114,659,413, A>G. VCF-style: chr7-114659413-A-G. GRCh37 (hg19) VCF-style: chr7-114299468-A-G.
Other names: c.1523A>G, p.Tyr508Cys (NM_001172766.3); c.1601A>G, p.Tyr534Cys (NM_148898.4); c.1577A>G, p.Tyr526Cys (NM_148900.4); short protein forms Y508C, Y526C, Y509C, Y534C.
Identifiers: ClinVar variation 3516889 (VCV003516889.1).

ClinVar aggregate classification (germline): Likely pathogenic (1 of 4 stars; one submission).

Conditions:
Inborn genetic diseases. Identifiers: MedGen C0950123, MeSH D030342.

Submission:

Ambry Genetics
Classification: Likely pathogenic for Inborn genetic diseases. Last evaluated: 2024-10-08. Review status: criteria provided, single submitter. Criteria: Ambry Variant Classification Scheme 2023. Collection method: clinical testing. Allele origin: germline.
Comment: The c.1526A>G (p.Y509C) alteration is located in exon 12 (coding exon 11) of the FOXP2 gene. This alteration results from an A to G substitution at nucleotide position 1526, causing the tyrosine (Y) at amino acid position 509 to be replaced by a cysteine (C). This variant was not reported in population-based cohorts in the Genome Aggregation Database (gnomAD). This amino acid position is highly conserved in available vertebrate species. This alteration is predicted to be deleterious by in silico analysis. Based on the available evidence, this alteration is classified as likely pathogenic.